The following is an entry in ClinVar:

ClinVar aggregate classification (germline): Likely benign. Review status: criteria provided, single submitter (1 of 4 stars). 2 submissions from 2 submitters: Likely benign (1). 1 of the submissions does not count toward it. Last evaluated 2025-11-25.

Conditions:
SLC39A4-related disorder. Also called: SLC39A4-related condition.

Allele frequency attached by ClinVar (database versions not stated): gnomAD exomes 0.00001; ExAC 0.00003; TOPMed 0.00006; gnomAD 0.00009; 1000 Genomes Project 0.00020; 1000 Genomes Project 30x 0.00031.
gnomAD v4.1: 21 of 1,612,766 alleles (0.0013%); highest among the groups gnomAD compares: African/African-American, 0.021%; 1 homozygote.

Submissions (2):

Labcorp Genetics (formerly Invitae), Labcorp
Classification: Likely benign. Last evaluated: 2025-11-25. Review status: criteria provided, single submitter. Criteria: Invitae Variant Classification Sherloc (09022015). Collection method: clinical testing. Allele origin: germline.

PreventionGenetics, part of Exact Sciences
Classification: Likely benign for SLC39A4-related condition. Last evaluated: 2019-05-27. Review status: no assertion criteria provided. Collection method: clinical testing. Allele origin: germline. Not counted in ClinVar's aggregate classification.
Comment: This variant is classified as likely benign based on ACMG/AMP sequence variant interpretation guidelines (Richards et al. 2015 PMID: 25741868, with internal and published modifications).

NM_130849.4(SLC39A4):c.1731C>T (p.Leu577=)

Gene: SLC39A4 (solute carrier family 39 member 4; minus strand). Cytogenetic location: 8q24.3.
Variant type: single nucleotide variant.
Coding change: c.1731C>T on transcript NM_130849.4 (MANE Select); coding-DNA position 1731, C replaced by T.
Protein change: p.Leu577=; no amino-acid change (leucine 577 retained).
Molecular consequence: synonymous variant.
Genome position (GRCh38, 1-based): chr8:144,412,843, G>A on the plus strand (C>T on the coding strand, the complement: SLC39A4 is on the minus strand). VCF-style: chr8-144412843-G-A. GRCh37 (hg19) VCF-style: chr8-145638227-G-A.
Other names: c.1731C>T (NM_130849.3); c.237C>T, p.Leu79= (NM_001280557.2); c.1449C>T, p.Leu483= (NM_001374839.1); c.1656C>T, p.Leu552= (NM_017767.3).
Identifiers: ClinVar variation 1128177 (VCV001128177.9), dbSNP rs547904125, ClinGen allele CA4941096.
Genomic context (GRCh38, chr8:144,412,843, plus strand): 5'-GAACAGGCCGGTGGCCACTGCCAGGATCCAGGCCTCGCTCTCCTCGCTGACTCCAACCGC[G>A]AGTGCCACGTAGAGACCAGCGAAGGCCGTGAGCGCGGAGGCCAGGTTCAGCAGCAGTGCT-3'
Protein context (NP_570901.3, residues 567-587): LTAFAGLYVA[Leu577=]AVGVSEESEA